The following is an entry in ClinVar:

NM_006086.4(TUBB3):c.1099T>A (p.Phe367Ile)

Gene: TUBB3 (tubulin beta 3 class III; plus strand). Cytogenetic location: 16q24.3.
Variant type: single nucleotide variant.
Coding change: c.1099T>A on transcript NM_006086.4 (MANE Select); coding-DNA position 1099, T replaced by A.
Protein change: p.Phe367Ile; replaces phenylalanine 367 with isoleucine.
Molecular consequence: missense variant.
Genome position (GRCh38, 1-based): chr16:89,935,550, T>A. VCF-style: chr16-89935550-T-A. GRCh37 (hg19) VCF-style: chr16-90001958-T-A.
Other names: c.883T>A, p.Phe295Ile (NM_001197181.2); short protein forms F295I, F367I.
Identifiers: ClinVar variation 4888168 (VCV004888168.1).
Genomic context (GRCh38, chr16:89,935,550, plus strand): 5'-AACAACGTGAAGGTGGCCGTGTGTGACATCCCGCCCCGCGGCCTCAAGATGTCCTCCACC[T>A]TCATCGGGAACAGCACGGCCATCCAGGAGCTGTTCAAGCGCATCTCCGAGCAGTTCACGG-3'
Protein context (NP_006077.2, residues 357-377): PPRGLKMSST[Phe367Ile]IGNSTAIQEL

ClinVar aggregate classification (germline): Pathogenic (1 of 4 stars; one submission).

Submission:

GeneDx
Classification: Pathogenic. Last evaluated: 2026-02-17. Review status: criteria provided, single submitter. Criteria: GeneDx Variant Classification Process June 2021. Collection method: clinical testing. Allele origin: germline.
Comment: Not observed at significant frequency in large population cohorts (gnomAD); Missense variants in this gene are a common cause of disease and they are underrepresented in the general population; In silico analysis supports that this missense variant has a deleterious effect on protein structure/function; Has not been previously published as pathogenic or benign to our knowledge; This variant is associated with the following publications: (PMID: 24785942, 26934450)